The following is an entry in ClinVar:

ClinVar aggregate classification (germline): Pathogenic (1 of 4 stars; one submission).

Submission:

Quest Diagnostics Nichols Institute San Juan Capistrano
Classification: Pathogenic. Last evaluated: 2022-02-28. Review status: criteria provided, single submitter. Criteria: ACMG/ClinGen CNV Guidelines, 2019. Collection method: clinical testing. Allele origin: unknown.
Comment: The copy number loss of 15q24.1q24.3 involves numerous protein-coding genes, including SIN3A (OMIM 607776) and PSTPIP1 (OMIM 606347). The current interval overlaps with the 15q24 contiguous gene deletion syndrome (OMIM 613406), also known as Witteveen-Kolk syndrome (WITKOS), which is associated with haploinsufficiency of SIN3A (Witteveen 2016). The phenotypic abnormalities of 15q24 deletion syndrome can include: failure to thrive, global developmental delay, variable intellectual disability, facial dysmorphisms, joint laxity, short stature, hypotonia, microcephaly, digital abnormalities, and hypospadias (Mefford 2012, Palazon-Bru 2016, Maqoulas 2012, El-Hattab2009, Sharp 2007). Additionally, heterozygous sequence variants of PSTPIP1 are associated with autosomal dominant pyogenic sterile arthritis, pyoderma gangrenosum, and acne (OMIM 604416) As hemizygous deletions of this interval have been associated with a clinical phenotype and there are no similar copy number losses of this regionin the general populations of the Database of Genomic Variants, the clinical significance of this copy number variant (CNV) is pathogenic. References: El-Hattab et al., Hum Genet. 2009 Oct;126(4):589-602. PMID: 19557438. Mefford et al., GeneReviews. 2012 Feb . PMID: 22359776. Magoulas et al., Orphanet J Rare Dis. 2012 Jan 4;7:2. PMID: 22216833. Palazon-Bru et al., PeerJ. 2016 Feb 4;4:e1641. PMID: 26925314. Sharp et al., Hum Mol Genet. 2007 Mar 1;16(5):567-72. PMID: 17360722. Witteveen et al., Nat Genet. 2016 Aug;48(8):877-87. PMID: 27399968.

GRCh37/hg19 15q24.1-24.3(chr15:74353736-77884397)x1

Genes: ARID3B (AT-rich interaction domain 3B; plus strand), C15orf39 (chromosome 15 open reading frame 39; plus strand), CCDC33 (coiled-coil domain containing 33; plus strand), CLK3 (CDC like kinase 3; plus strand), COMMD4 (COMM domain containing 4; plus strand) and 45 more. Cytogenetic location: 15q24.1-24.3.
Variant type: copy number loss.
Change: copy number 1 (one copy instead of two) of chr15:74,353,736-77,884,397 (3.53 Mb, GRCh37 coordinates, 1-based), cytogenetic band 15q24.1-24.3.
Identifiers: ClinVar variation 1808735 (VCV001808735.1).